The following is an entry in ClinVar:

ClinVar aggregate classification (germline): Likely pathogenic (1 of 4 stars; one submission).

Conditions:
Arrhythmogenic right ventricular dysplasia 8 (ARVD8). Also called: ARRHYTHMOGENIC RIGHT VENTRICULAR DYSPLASIA, FAMILIAL, 8; ARRHYTHMOGENIC RIGHT VENTRICULAR CARDIOMYOPATHY 8; Arrhythmogenic Right Ventricular Dysplasia/Cardiomyopathy 8. Identifiers: MedGen C1843896, MONDO:0011831, OMIM 607450.
Arrhythmogenic cardiomyopathy with wooly hair and keratoderma. Also called: Dilated cardiomyopathy with woolly hair and keratoderma; PALMOPLANTAR KERATODERMA WITH LEFT VENTRICULAR CARDIOMYOPATHY AND WOOLLY HAIR; Carvajal syndrome; Arrhythmogenic cardiomyopathy with woolly hair and keratoderma. Identifiers: Orphanet 65282, MedGen C1854063, MONDO:0011581, OMIM 605676.
Cardiomyopathy, dilated, with wooly hair, keratoderma, and tooth agenesis. Also called: Cardiomyopathy, dilated, with woolly hair, keratoderma, and tooth agenesis; Erythrokeratodermia-cardiomyopathy syndrome. Identifiers: Orphanet 476096, Orphanet 65282, MedGen C4014393, MONDO:0014355, OMIM 615821.
Keratosis palmoplantaris striata 2. Also called: Keratosis palmoplantaris striata II; KERATODERMA, PALMOPLANTAR, STRIATE FORM II; STRIATE PALMOPLANTAR KERATODERMA II. Identifiers: MedGen C1852127, MONDO:0013034, OMIM 612908.
Lethal acantholytic epidermolysis bullosa (EBLA). Identifiers: Orphanet 158687, MedGen C1864826, MONDO:0012323, OMIM 609638.

Submission:

Juno Genomics, Hangzhou Juno Genomics, Inc
Classification: Likely pathogenic for Arrhythmogenic right ventricular dysplasia 8; Arrhythmogenic cardiomyopathy with wooly hair and keratoderma; Cardiomyopathy, dilated, with wooly hair, keratoderma, and tooth agenesis; Lethal acantholytic epidermolysis bullosa; Keratosis palmoplantaris striata 2. Review status: criteria provided, single submitter. Criteria: ACMG Guidelines, 2015. Collection method: clinical testing. Allele origin: germline.
Comment: Absent from controls (or at extremely low frequency if recessive) in Genome Aggregation Database.;Null variant in a gene where loss of function (LOF) is a known mechanism of disease.

NM_004415.4(DSP):c.2359del (p.Tyr787fs)

Gene: DSP (desmoplakin; plus strand). Cytogenetic location: 6p24.3.
Variant type: Deletion.
Coding change: c.2359del on transcript NM_004415.4 (MANE Select); coding-DNA position 2359, one base deleted (T; older notation c.2359delT).
Protein change: p.Tyr787fs; shifts the reading frame from tyrosine 787.
Molecular consequence: frameshift variant.
Genome position (GRCh38, 1-based): chr6:7,574,718, T deleted; the last of 3 consecutive T bases (chr6:7,574,716-7,574,718); deleting any one gives the same sequence. VCF-style (leftmost placement, unchanged base first): chr6-7574715-GT-G. GRCh37 (hg19) VCF-style: chr6-7574948-GT-G.
Other names: c.2359del, p.Tyr787fs (NM_001008844.3, NM_001319034.2); short protein forms Y787fs.
Identifiers: ClinVar variation 3382799 (VCV003382799.3).
Genomic context (GRCh38, chr6:7,574,715, plus strand): 5'-AGCTTATGCACAGTAAGGGCACTGCTCCAGGCTATTCTCCAAACAGAAGACATGTTAAAG[GT>G]TTATGAAGCCAGGCTCACTGAGGAGGAAACTGTCTGCCTGGACCTGGATAAAGTGGAAGC-3'